The following is an entry in ClinVar:

ClinVar aggregate classification (germline): Uncertain significance (1 of 4 stars; one submission).

Submission:

ARUP Laboratories, Molecular Genetics and Genomics, ARUP Laboratories
Classification: Uncertain significance. Last evaluated: 2023-09-12. Review status: criteria provided, single submitter. Criteria: ARUP Molecular Germline Variant Investigation Process 2024. Collection method: clinical testing. Allele origin: germline.
Comment: The MEFV c.928G>A; p.Ala310Thr variant (rs1359716513), to our knowledge, is not reported in the medical literature or gene specific databases. This variant is also absent from the Genome Aggregation Database, indicating it is not a common polymorphism. Computational analyses predict that this variant is neutral (REVEL: 0.149). Due to limited information, the clinical significance of this variant is uncertain at this time.

NM_000243.3(MEFV):c.928G>A (p.Ala310Thr)

Gene: MEFV (MEFV innate immunity regulator, pyrin; minus strand). Cytogenetic location: 16p13.3.
Variant type: single nucleotide variant.
Coding change: c.928G>A on transcript NM_000243.3 (MANE Select); coding-DNA position 928, G replaced by A.
Protein change: p.Ala310Thr; replaces alanine 310 with threonine.
Molecular consequence: missense variant.
Genome position (GRCh38, 1-based): chr16:3,249,763, C>T on the plus strand (G>A on the coding strand, the complement: MEFV is on the minus strand). VCF-style: chr16-3249763-C-T. GRCh37 (hg19) VCF-style: chr16-3299763-C-T.
Other names: c.295G>A, p.Ala99Thr (NM_001198536.2); short protein forms A99T, A310T.
Identifiers: ClinVar variation 2921220 (VCV002921220.1), dbSNP rs1359716513, ClinGen allele CA394472052.
Genomic context (GRCh38, chr16:3,249,763, plus strand): 5'-CACGCACACAGGTACCGTCAACTGGGTCTCCTTCCTGGGCGTGGCAGCGGGGACTCGCAG[C>T]CGTGTCTGGTGGCCTTCCTGGGGACATGCAGTGGAAAAACCCCCTGAATGGCAAACCCAA-3'
Protein context (NP_000234.1, residues 300-320): HSVTGRPPDT[Ala310Thr]ASPRCHAQEG